The following is an entry in ClinVar:

NM_001378778.1(MPDZ):c.3212G>A (p.Arg1071Gln)

Gene: MPDZ (multiple PDZ domain crumbs cell polarity complex component; minus strand). Cytogenetic location: 9p23.
Variant type: single nucleotide variant.
Coding change: c.3212G>A on transcript NM_001378778.1 (MANE Select); coding-DNA position 3212, G replaced by A.
Protein change: p.Arg1071Gln; replaces arginine 1071 with glutamine.
Molecular consequence: missense variant.
Genome position (GRCh38, 1-based): chr9:13,168,408, C>T on the plus strand (G>A on the coding strand, the complement: MPDZ is on the minus strand). VCF-style: chr9-13168408-C-T. GRCh37 (hg19) VCF-style: chr9-13168407-C-T.
Other names: c.3212G>A, p.Arg1071Gln (NM_001261406.2, NM_001261407.2, NM_001330637.2 and 14 more transcripts); c.3212G>A (NM_003829.4); short protein forms R1071Q.
Identifiers: ClinVar variation 2236184 (VCV002236184.3), dbSNP rs773764449, ClinGen allele CA4987224.

ClinVar aggregate classification (germline): Uncertain significance. Review status: criteria provided, multiple submitters, no conflicts (2 of 4 stars). 2 submissions from 2 submitters: Uncertain significance (2). Last evaluated 2024-09-25.

Conditions:
Inborn genetic diseases. Identifiers: MedGen C0950123, MeSH D030342.

Allele frequency attached by ClinVar (database versions not stated): ExAC 0.00001; gnomAD 0.00001; gnomAD exomes 0.00001; TOPMed 0.00002.
gnomAD v4.1: 22 of 1,613,344 alleles (0.0014%); highest among the groups gnomAD compares: Admixed American, 0.0083%; no homozygotes.

Submissions (2):

GeneDx
Classification: Uncertain significance. Last evaluated: 2024-09-25. Review status: criteria provided, single submitter. Criteria: GeneDx Variant Classification Process June 2021. Collection method: clinical testing. Allele origin: germline. Affected: yes.
Comment: Not observed at significant frequency in large population cohorts (gnomAD); In silico analysis indicates that this missense variant does not alter protein structure/function; Has not been previously published as pathogenic or benign to our knowledge

Ambry Genetics
Classification: Uncertain significance for Inborn genetic diseases. Last evaluated: 2021-07-09. Review status: criteria provided, single submitter. Criteria: Ambry Variant Classification Scheme 2023. Collection method: clinical testing. Allele origin: germline.